The following is an entry in ClinVar:

NM_004897.5(MINPP1):c.75_94del (p.Leu27fs)

Gene: MINPP1 (multiple inositol-polyphosphate phosphatase 1; plus strand). Cytogenetic location: 10q23.2.
Variant type: Deletion.
Coding change: c.75_94del on transcript NM_004897.5 (MANE Select); coding-DNA positions 75 to 94, 20 bases deleted (GTCGCTTGCGCGCTGCTCTC).
Protein change: p.Leu27fs; shifts the reading frame from leucine 27.
Molecular consequence: frameshift variant.
Genome position (GRCh38, 1-based): chr10:87,504,990-87,505,009, GTCGCTTGCGCGCTGCTCTC deleted; deleting any 20 consecutive bases within chr10:87,504,979-87,505,009 gives the same sequence; the c. name uses the placement nearest the transcript's 3' end. VCF-style (leftmost placement, unchanged base first): chr10-87504978-GGCGCTGCTCTCGTCGCTTGC-G. GRCh37 (hg19) VCF-style: chr10-89264735-GGCGCTGCTCTCGTCGCTTGC-G.
Other names: c.75_94del, p.Leu27fs (NM_001178117.2); short protein forms L27fs.
Identifiers: ClinVar variation 1285621 (VCV001285621.3), dbSNP rs1323094107, ClinGen allele CA595187287.

ClinVar aggregate classification (germline): Pathogenic/Likely pathogenic. Review status: criteria provided, multiple submitters, no conflicts (2 of 4 stars). 3 submissions from 3 submitters: Pathogenic (1); Likely pathogenic (1). 1 of the submissions does not count toward it. Last evaluated 2025-08-01.

Conditions:
Pontocerebellar hypoplasia, type 16. Identifiers: MedGen C5561987, MONDO:0030438, OMIM 619527.

Submissions (3):

Medical Molecular Genetics, National Research Centre
Classification: Pathogenic for Pontocerebellar hypoplasia, type 16. Last evaluated: 2025-08-01. Review status: criteria provided, single submitter. Criteria: ACMG Guidelines, 2015. Collection method: clinical testing. Allele origin: germline. Affected: yes. Observed: 2 variant alleles.
Comment: Frameshift reported variant leading to premature termination; classified as pathogenic following ACMG criteria PVS1, PM2, PP1-strong; rare in population databases (gnomAD AF 6.2e-6)

Institute of Human Genetics, University of Leipzig Medical Center
Classification: Likely pathogenic for Pontocerebellar hypoplasia, type 16. Last evaluated: 2021-03-29. Review status: criteria provided, single submitter. Criteria: ACMG Guidelines, 2015. Collection method: clinical testing. Allele origin: germline. Affected: yes.

OMIM
Classification: Pathogenic for PONTOCEREBELLAR HYPOPLASIA, TYPE 16. Last evaluated: 2021-09-23. Review status: no assertion criteria provided. Collection method: literature only. Allele origin: germline. Not counted in ClinVar's aggregate classification.

Literature cited by the submitters: PubMed 33168985 (cited by Institute of Human Genetics, University of Leipzig Medical Center and OMIM).